The following is an entry in ClinVar:

NM_006371.5(CRTAP):c.155T>C (p.Leu52Pro)

Gene: CRTAP (cartilage associated protein; plus strand). Cytogenetic location: 3p22.3.
Variant type: single nucleotide variant.
Coding change: c.155T>C on transcript NM_006371.5 (MANE Select); coding-DNA position 155, T replaced by C.
Protein change: p.Leu52Pro; replaces leucine 52 with proline.
Molecular consequence: missense variant.
Genome position (GRCh38, 1-based): chr3:33,114,232, T>C. VCF-style: chr3-33114232-T-C. GRCh37 (hg19) VCF-style: chr3-33155724-T-C.
Other names: c.155T>C, p.Leu52Pro (NM_001393363.1, NM_001393364.1, NM_001393365.1); short protein forms L52P.
Identifiers: ClinVar variation 1438253 (VCV001438253.8), dbSNP rs1435396409, ClinGen allele CA352008263.
Genomic context (GRCh38, chr3:33,114,232, plus strand): 5'-GCTTCCGCAGCTTCCCACGGGACGAGCTGATGCCGCTCGAGTCGGCCTACCGGCACGCGC[T>C]GGACAAGTACAGCGGCGAGCACTGGGCCGAGAGCGTGGGCTACCTGGAGATCAGCCTGCG-3'
Protein context (NP_006362.1, residues 42-62): MPLESAYRHA[Leu52Pro]DKYSGEHWAE

ClinVar aggregate classification (germline): Uncertain significance (1 of 4 stars; one submission).

Conditions:
Osteogenesis imperfecta type 7 (OI7). Also called: OI type 7; OI type VII; OSTEOGENESIS IMPERFECTA, TYPE IIB; Osteogenesis imperfecta type 2B; OI type 2B; Osteogenesis imperfecta, perinatal lethal autosomal recessive. Identifiers: MedGen C1853162, MONDO:0012536, OMIM 610682.

Allele frequency attached by ClinVar (database versions not stated): gnomAD exomes below 0.00001.
gnomAD v4.1: 3 of 1,592,100 alleles (0.00019%); highest among the groups gnomAD compares: Non-Finnish European, 0.00026%; no homozygotes.

Submission:

Labcorp Genetics (formerly Invitae), Labcorp
Classification: Uncertain significance for Osteogenesis imperfecta type 7. Last evaluated: 2021-07-27. Review status: criteria provided, single submitter. Criteria: Invitae Variant Classification Sherloc (09022015). Collection method: clinical testing. Allele origin: germline.
Comment: In summary, the available evidence is currently insufficient to determine the role of this variant in disease. Therefore, it has been classified as a Variant of Uncertain Significance. Algorithms developed to predict the effect of missense changes on protein structure and function are either unavailable or do not agree on the potential impact of this missense change (SIFT: "Tolerated"; PolyPhen-2: "Probably Damaging"; Align-GVGD: "Class C0"). This variant has not been reported in the literature in individuals affected with CRTAP-related conditions. This variant is not present in population databases (ExAC no frequency). This sequence change replaces leucine with proline at codon 52 of the CRTAP protein (p.Leu52Pro). The leucine residue is highly conserved and there is a moderate physicochemical difference between leucine and proline.